The following is an entry in ClinVar:

ClinVar aggregate classification (germline): Uncertain significance. Review status: criteria provided, multiple submitters, no conflicts (2 of 4 stars). 2 submissions from 2 submitters: Uncertain significance (2). Last evaluated 2026-01-27.

Conditions:
Hereditary cancer-predisposing syndrome. Also called: Neoplastic Syndromes, Hereditary; Hereditary neoplastic syndrome; Hereditary Cancer Syndrome; Tumor predisposition. Identifiers: Orphanet 140162, MedGen C0027672, MeSH D009386, MONDO:0015356.
Von Hippel-Lindau syndrome (VHLS). Also called: von Hippel–Lindau syndrome; VHL syndrome; Von Hippel-Lindau. Identifiers: Orphanet 892, MedGen C0019562, MONDO:0008667, OMIM 193300. Disease mechanism: loss of function.
Chuvash polycythemia. Also called: POLYCYTHEMIA, VHL-DEPENDENT. Identifiers: Orphanet 238557, MedGen C1837915, MONDO:0009892, OMIM 263400.

Allele frequency attached by ClinVar (database versions not stated): TOPMed below 0.00001.

Submissions (2):

Labcorp Genetics (formerly Invitae), Labcorp
Classification: Uncertain significance for Von Hippel-Lindau syndrome; Chuvash polycythemia. Last evaluated: 2026-01-27. Review status: criteria provided, single submitter. Criteria: Invitae Variant Classification Sherloc (09022015). Collection method: clinical testing. Allele origin: germline.
Comment: This sequence change falls in intron 1 of the VHL gene. It is not expected to change the encoded amino acid sequence of the VHL protein. However, this sequence change falls within a cryptic exon in the VHL gene, known as exon E1’, which is naturally expressed at low levels in several human tissues (PMID: 29891534). This variant is not present in population databases (gnomAD no frequency). This variant has not been reported in the literature in individuals affected with VHL-related conditions. ClinVar contains an entry for this variant (Variation ID: 942411). Studies have shown that this variant is associated with inconclusive levels of altered splicing (internal data). In summary, the available evidence is currently insufficient to determine the role of this variant in disease. Therefore, it has been classified as a Variant of Uncertain Significance.

Ambry Genetics
Classification: Uncertain significance for Hereditary cancer-predisposing syndrome. Last evaluated: 2025-02-08. Review status: criteria provided, single submitter. Criteria: Ambry Variant Classification Scheme 2023. Collection method: clinical testing. Allele origin: germline.
Comment: The c.340+751G>T intronic variant results from a G to T substitution 751 nucleotides after coding exon 1 in the VHL gene. This nucleotide position is well conserved in available vertebrate species. In silico splice site analysis predicts that this alteration may result in the creation or strengthening of a novel splice donor site; however, direct evidence is insufficient at this time (Ambry internal data). Based on the available evidence, the clinical significance of this variant remains unclear.

Literature cited by the submitters: PubMed 29891534 (cited by Labcorp Genetics (formerly Invitae), Labcorp).

NM_000551.4(VHL):c.340+751G>T

Genes: VHL (von Hippel-Lindau tumor suppressor; plus strand), LOC107303340 (3p25 von Hippel-Lindau tumor suppressor, E3 ubiquitin protein ligase Alu-mediated recombination region; plus strand). Cytogenetic location: 3p25.3.
Variant type: single nucleotide variant.
Coding change: c.340+751G>T on transcript NM_000551.4 (MANE Select); 751 bases into the intron after coding-DNA position 340, G replaced by T.
Molecular consequence: intron variant. On other transcripts: missense variant (1).
Genome position (GRCh38, 1-based): chr3:10,142,938, G>T. VCF-style: chr3-10142938-G-T. GRCh37 (hg19) VCF-style: chr3-10184622-G-T.
Other names: c.516G>T, p.Arg172Ser (NM_001354723.2); c.340+751G>T (NM_198156.3); short protein forms R172S.
Identifiers: ClinVar variation 942411 (VCV000942411.11), dbSNP rs1696162976, ClinGen allele CA1139655743.
Genomic context (GRCh38, chr3:10,142,938, plus strand): 5'-CGGAAGAGCCGACCGTGTGTGGCGTGGGAAATTGACTTACCTGCCTGCTGGGAGATGGAG[G>T]GGTTGCGGTTGTGTGGTTTCAGTTAAGGAGCACTTCCCGGAGAAGGAAGAGAGCAGGATG-3'